The following is an entry in ClinVar:

ClinVar aggregate classification (germline): Uncertain significance (1 of 4 stars; one submission).

Conditions:
Hereditary pheochromocytoma and paraganglioma. Also called: Hereditary pheochromocytoma-paraganglioma; Hereditary Paraganglioma-Pheochromocytoma Syndromes; Hereditary paragangliomas and pheochromocytomas. Identifiers: Orphanet 29072, MedGen C4274332, MONDO:0017366.

gnomAD v4.1: 1 of 1,614,214 alleles (0.000062%); highest among the groups gnomAD compares: Admixed American, 0.0017%; no homozygotes.

Submission:

Labcorp Genetics (formerly Invitae), Labcorp
Classification: Uncertain significance for Hereditary pheochromocytoma and paraganglioma. Last evaluated: 2025-12-21. Review status: criteria provided, single submitter. Criteria: Invitae Variant Classification Sherloc (09022015). Collection method: clinical testing. Allele origin: germline.
Comment: This sequence change replaces valine, which is neutral and non-polar, with glutamic acid, which is acidic and polar, at codon 6 of the SDHAF2 protein (p.Val6Glu). This variant is not present in population databases (gnomAD no frequency). This variant has not been reported in the literature in individuals affected with SDHAF2-related conditions. An algorithm developed to predict the effect of missense changes on protein structure and function (PolyPhen-2) suggests that this variant is likely to be tolerated. In summary, the available evidence is currently insufficient to determine the role of this variant in disease. Therefore, it has been classified as a Variant of Uncertain Significance.

NM_017841.4(SDHAF2):c.17T>A (p.Val6Glu)

Gene: SDHAF2 (succinate dehydrogenase complex assembly factor 2; plus strand). Cytogenetic location: 11q12.2.
Variant type: single nucleotide variant.
Coding change: c.17T>A on transcript NM_017841.4 (MANE Select); coding-DNA position 17, T replaced by A.
Protein change: p.Val6Glu; replaces valine 6 with glutamic acid.
Molecular consequence: missense variant.
Genome position (GRCh38, 1-based): chr11:61,430,163, T>A. VCF-style: chr11-61430163-T-A. GRCh37 (hg19) VCF-style: chr11-61197635-T-A.
Other names: short protein forms V6E.
Identifiers: ClinVar variation 4744837 (VCV004744837.1).